The following is an entry in ClinVar:

NC_000023.11:g.(?_69616289)_(69670280_?)del

Gene: EDA (ectodysplasin A; plus strand). Cytogenetic location: Xq13.1.
Variant type: Deletion.
Identifiers: ClinVar variation 528364 (VCV000528364.1).

ClinVar aggregate classification (germline): Pathogenic (1 of 4 stars; one submission).

Conditions:
Hypohidrotic X-linked ectodermal dysplasia (XHED). Also called: ECTODERMAL DYSPLASIA, HYPOHIDROTIC, 1; CST SYNDROME; ECTODERMAL DYSPLASIA 1; Ectodermal Dysplasia 1, Anhidrotic; Christ-Siemans-Touraine syndrome; Anhidrotic ectodermal dysplasia X-linked. Identifiers: Orphanet 181, Orphanet 238468, MedGen C0162359, MONDO:0010585, OMIM 305100.

Submission:

Labcorp Genetics (formerly Invitae), Labcorp
Classification: Pathogenic for Hypohidrotic X-linked ectodermal dysplasia. Last evaluated: 2018-03-05. Review status: criteria provided, single submitter. Criteria: Invitae Variant Classification Sherloc (09022015). Collection method: clinical testing. Allele origin: germline.
Comment: This variant is a gross deletion of the genomic region encompassing exon 1 of the EDA gene, which includes the initiator codon. The 5' end of this event is unknown as it extends beyond the assayed region for this gene and therefore may encompass additional genes. The 3' boundary is likely confined to intron 1 of the EDA gene. This is expected to result in an absent or disrupted protein product. A similar deletion has been reported in the literature in individuals affected with X-linked anhidrotic ectodermal dysplasia (PMID:8696334,11295832). Loss-of-function variants in EDA are known to be pathogenic (PMID: 9683615). For these reasons, this variant has been classified as Pathogenic.

Literature cited by the submitters: PubMed 8696334; PubMed 11295832.